The following is an entry in ClinVar:

ClinVar aggregate classification (germline): Uncertain significance (1 of 4 stars; one submission).

Allele frequency attached by ClinVar (database versions not stated): gnomAD exomes below 0.00001 and 0.00002; TOPMed 0.00001; ExAC 0.00002.
gnomAD v4.1: 9 of 1,613,966 alleles (0.00056%); highest among the groups gnomAD compares: African/African-American, 0.004%; no homozygotes.

Submission:

Labcorp Genetics (formerly Invitae), Labcorp
Classification: Uncertain significance. Last evaluated: 2023-10-29. Review status: criteria provided, single submitter. Criteria: Invitae Variant Classification Sherloc (09022015). Collection method: clinical testing. Allele origin: germline.
Comment: This sequence change replaces arginine, which is basic and polar, with cysteine, which is neutral and slightly polar, at codon 207 of the RTN4IP1 protein (p.Arg207Cys). This variant is present in population databases (rs765799580, gnomAD 0.008%). This variant has not been reported in the literature in individuals affected with RTN4IP1-related conditions. ClinVar contains an entry for this variant (Variation ID: 1360388). An algorithm developed to predict the effect of missense changes on protein structure and function (PolyPhen-2) suggests that this variant is likely to be disruptive. In summary, the available evidence is currently insufficient to determine the role of this variant in disease. Therefore, it has been classified as a Variant of Uncertain Significance.

NM_032730.5(RTN4IP1):c.619C>T (p.Arg207Cys)

Gene: RTN4IP1 (reticulon 4 interacting protein 1; minus strand). Cytogenetic location: 6q21.
Variant type: single nucleotide variant.
Coding change: c.619C>T on transcript NM_032730.5 (MANE Select); coding-DNA position 619, C replaced by T.
Protein change: p.Arg207Cys; replaces arginine 207 with cysteine.
Molecular consequence: missense variant.
Genome position (GRCh38, 1-based): chr6:106,619,203, G>A on the plus strand (C>T on the coding strand, the complement: RTN4IP1 is on the minus strand). VCF-style: chr6-106619203-G-A. GRCh37 (hg19) VCF-style: chr6-107067078-G-A.
Other names: c.319C>T, p.Arg107Cys (NM_001318746.1); short protein forms R207C, R107C.
Identifiers: ClinVar variation 1360388 (VCV001360388.8), dbSNP rs765799580, ClinGen allele CA3944448.